The following is an entry in ClinVar:

NM_001035.3(RYR2):c.12344T>G (p.Leu4115Arg)

Gene: RYR2 (ryanodine receptor 2; plus strand). Cytogenetic location: 1q43.
Variant type: single nucleotide variant.
Coding change: c.12344T>G on transcript NM_001035.3 (MANE Select); coding-DNA position 12344, T replaced by G.
Protein change: p.Leu4115Arg; replaces leucine 4115 with arginine.
Molecular consequence: missense variant.
Genome position (GRCh38, 1-based): chr1:237,784,056, T>G. VCF-style: chr1-237784056-T-G. GRCh37 (hg19) VCF-style: chr1-237947356-T-G.
Other names: c.12344T>G (NM_001035.2); short protein forms L4115R.
Identifiers: ClinVar variation 1714997 (VCV001714997.7), dbSNP rs2527781764, ClinGen allele CA345413013.

ClinVar aggregate classification (germline): Conflicting classifications of pathogenicity. Review status: criteria provided, conflicting classifications (1 of 4 stars). 2 submissions from 2 submitters: Likely pathogenic (1); Uncertain significance (1). Last evaluated 2024-12-09.

Conditions:
Cardiovascular phenotype. Identifiers: MedGen CN230736.
Catecholaminergic polymorphic ventricular tachycardia 1. Also called: VENTRICULAR TACHYCARDIA, CATECHOLAMINERGIC POLYMORPHIC, 1, WITH OR WITHOUT ATRIAL DYSFUNCTION AND/OR DILATED CARDIOMYOPATHY; VENTRICULAR TACHYCARDIA, STRESS-INDUCED POLYMORPHIC 1; RYR2-Related Catecholaminergic Polymorphic Ventricular Tachycardia. Identifiers: Orphanet 3286, MedGen C1631597, MONDO:0011484, OMIM 604772.

Submissions (2):

Ambry Genetics
Classification: Likely pathogenic for Cardiovascular phenotype. Last evaluated: 2024-12-09. Review status: criteria provided, single submitter. Criteria: Ambry Variant Classification Scheme 2023. Collection method: clinical testing. Allele origin: germline.
Comment: The p.L4115R variant (also known as c.12344T>G), located in coding exon 90 of the RYR2 gene, results from a T to G substitution at nucleotide position 12344. The leucine at codon 4115 is replaced by arginine, an amino acid with dissimilar properties. Another variant at the same codon, p.L4115F (c.12343C>T), has been identified in individual(s) with features consistent with RYR2-related disease (Penttinen K et al. PLoS One, 2015 May;10:e0125366). This amino acid position is highly conserved in available vertebrate species. In addition, this alteration is predicted to be deleterious by in silico analysis. This variant is considered to be rare based on population cohorts in the Genome Aggregation Database (gnomAD). Based on the majority of available evidence to date, this variant is likely to be pathogenic.

Labcorp Genetics (formerly Invitae), Labcorp
Classification: Uncertain significance for Catecholaminergic polymorphic ventricular tachycardia 1. Last evaluated: 2022-08-04. Review status: criteria provided, single submitter. Criteria: Invitae Variant Classification Sherloc (09022015). Collection method: clinical testing. Allele origin: germline.
Comment: This sequence change replaces leucine, which is neutral and non-polar, with arginine, which is basic and polar, at codon 4115 of the RYR2 protein (p.Leu4115Arg). This variant is not present in population databases (gnomAD no frequency). This variant has not been reported in the literature in individuals affected with RYR2-related conditions. Advanced modeling of protein sequence and biophysical properties (such as structural, functional, and spatial information, amino acid conservation, physicochemical variation, residue mobility, and thermodynamic stability) performed at Invitae indicates that this missense variant is expected to disrupt RYR2 protein function. In summary, the available evidence is currently insufficient to determine the role of this variant in disease. Therefore, it has been classified as a Variant of Uncertain Significance.